The following is an entry in ClinVar:

ClinVar aggregate classification (germline): Pathogenic/Likely pathogenic. Review status: criteria provided, multiple submitters, no conflicts (2 of 4 stars). 3 submissions from 3 submitters: Pathogenic (1); Likely pathogenic (1). 1 of the submissions does not count toward it. Last evaluated 2024-08-04.

Conditions:
Polycystic lipomembranous osteodysplasia with sclerosing leukoencephalopathy 2. Also called: TREM2-Related Polycystic Lipomembranous Osteodysplasia with Sclerosing Leukoencephalopathy. Identifiers: MedGen C4748657, MONDO:0020750, OMIM 618193.
Polycystic lipomembranous osteodysplasia with sclerosing leukoencephalopathy 1 (PLOSL1). Also called: TYROBP-Related Polycystic Lipomembranous Osteodysplasia with Sclerosing Leukoencephalopathy. Identifiers: Orphanet 2770, MedGen C4721893, MONDO:0020749, OMIM 221770.

Allele frequency attached by ClinVar (database versions not stated): gnomAD 0.00004 and 0.00006; gnomAD exomes 0.00005 and 0.00006; 1000 Genomes Project 0.00020; TOPMed 0.00006; ExAC 0.00007; 1000 Genomes Project 30x 0.00016.
gnomAD v4.1: 87 of 1,614,234 alleles (0.0054%); highest among the groups gnomAD compares: South Asian, 0.038%; no homozygotes.

Submissions (3):

Labcorp Genetics (formerly Invitae), Labcorp
Classification: Pathogenic. Last evaluated: 2024-08-04. Review status: criteria provided, single submitter. Criteria: Invitae Variant Classification Sherloc (09022015). Collection method: clinical testing. Allele origin: germline.
Comment: This sequence change replaces threonine, which is neutral and polar, with methionine, which is neutral and non-polar, at codon 66 of the TREM2 protein (p.Thr66Met). This variant is present in population databases (rs201258663, gnomAD 0.04%). This missense change has been observed in individuals with autosomal dominant Alzheimer disease and/or autosomal recessive frontotemporal dementia (PMID: 23150934, 23318515, 24899047, 29557178). ClinVar contains an entry for this variant (Variation ID: 192242). An algorithm developed to predict the effect of missense changes on protein structure and function (PolyPhen-2) suggests that this variant is likely to be disruptive. Experimental studies have shown that this missense change affects TREM2 function (PMID: 24990881, 25615530, 28559417). For these reasons, this variant has been classified as Pathogenic.

Center for Human Genetics and Genomic Medicine, Uniklinik Rwth Aachen
Classification: Likely pathogenic for Polycystic lipomembranous osteodysplasia with sclerosing leukoencephalopathy 2. Review status: criteria provided, single submitter. Criteria: ACMG Guidelines, 2015. Collection method: clinical testing. Allele origin: unknown. Inheritance: Autosomal recessive inheritance. Affected: yes.
Comment: The detected variant has a low frequency in gnomAD (0,005390 %) and ist only reported in heterozygous occurence. Bioinformatic predicition is deleterious (CaddPhred, SIFT, MutationTaster). The variant has been reported in literature before (PMID: 23318515, PMID: 24910390). It was classified as likely pathogenic (PS1, PM1, PM2, PM3).

GeneReviews
No classification provided. Condition: Polycystic lipomembranous osteodysplasia with sclerosing leukoencephalopathy 1. Review status: no classification provided. Collection method: literature only. Allele origin: germline. Affected: yes. Not counted in ClinVar's aggregate classification.

Literature cited by the submitters: PubMed 23150934 (cited by Labcorp Genetics (formerly Invitae), Labcorp); PubMed 23318515 (cited by Labcorp Genetics (formerly Invitae), Labcorp); PubMed 24899047 (cited by Labcorp Genetics (formerly Invitae), Labcorp); PubMed 29557178 (cited by Labcorp Genetics (formerly Invitae), Labcorp); PubMed 24990881 (cited by Labcorp Genetics (formerly Invitae), Labcorp); PubMed 25615530 (cited by Labcorp Genetics (formerly Invitae), Labcorp); PubMed 28559417 (cited by Labcorp Genetics (formerly Invitae), Labcorp); NCBI Bookshelf NBK1197 (cited by GeneReviews).

NM_018965.4(TREM2):c.197C>T (p.Thr66Met)

Gene: TREM2 (triggering receptor expressed on myeloid cells 2; minus strand). Cytogenetic location: 6p21.1.
Variant type: single nucleotide variant.
Coding change: c.197C>T on transcript NM_018965.4 (MANE Select); coding-DNA position 197, C replaced by T.
Protein change: p.Thr66Met; replaces threonine 66 with methionine.
Molecular consequence: missense variant.
Genome position (GRCh38, 1-based): chr6:41,161,457, G>A on the plus strand (C>T on the coding strand, the complement: TREM2 is on the minus strand). VCF-style: chr6-41161457-G-A. GRCh37 (hg19) VCF-style: chr6-41129195-G-A.
Other names: c.197C>T, p.Thr66Met (NM_001271821.2); short protein forms T66M.
Identifiers: ClinVar variation 192242 (VCV000192242.9), dbSNP rs201258663, ClinGen allele CA347275.